The following is an entry in ClinVar:

ClinVar aggregate classification (germline): Pathogenic (1 of 4 stars; one submission).

Submission:

Labcorp Genetics (formerly Invitae), Labcorp
Classification: Pathogenic. Last evaluated: 2024-10-23. Review status: criteria provided, single submitter. Criteria: Invitae Variant Classification Sherloc (09022015). Collection method: clinical testing. Allele origin: germline.
Comment: This sequence change creates a premature translational stop signal (p.Ile309*) in the KIZ gene. It is expected to result in an absent or disrupted protein product. Loss-of-function variants in KIZ are known to be pathogenic (PMID: 24680887, 29057815). This variant is not present in population databases (gnomAD no frequency). This variant has not been reported in the literature in individuals affected with KIZ-related conditions. For these reasons, this variant has been classified as Pathogenic.

Literature cited by the submitters: PubMed 24680887; PubMed 29057815.

NM_018474.6(KIZ):c.925_926del (p.His308_Ile309insTer)

Gene: KIZ (kizuna centrosomal protein; plus strand). Cytogenetic location: 20p11.23.
Variant type: Microsatellite.
Coding change: c.925_926del on transcript NM_018474.6 (MANE Select); coding-DNA positions 925 to 926, 2 bases deleted (AT; older notation c.925_926delAT).
Protein change: p.His308_Ile309insTer.
Molecular consequence: nonsense.
Genome position (GRCh38, 1-based): chr20:21,162,390-21,162,391, AT deleted; deleting any 2 consecutive bases within chr20:21,162,388-21,162,391 gives the same sequence; the c. name uses the placement nearest the transcript's 3' end. VCF-style (leftmost placement, unchanged base first): chr20-21162387-CAT-C. GRCh37 (hg19) VCF-style: chr20-21143028-CAT-C.
Other names: c.616_617del, p.His205_Ile206insTer (NM_001163022.3, NM_001352435.2); c.526_527del, p.His175_Ile176insTer (NM_001163023.3); c.778_779del, p.His259_Ile260insTer (NM_001276389.2); c.925_926del, p.His308_Ile309insTer (NM_001352434.2); c.583_584del, p.His194_Ile195insTer (NM_001352436.2).
Identifiers: ClinVar variation 3679322 (VCV003679322.2).
Genomic context (GRCh38, chr20:21,162,387, plus strand): 5'-ACCACTGATTTAAAGTGTGACAGTTCCAGCGGATCAGAGGGAGAAATACTGACACGGGAA[CAT>C]ATTGAAGTTGAGGAAAAAAGAGCCAGCCCGCCAGTCTCTCCGATACCAGTTTCAGAATAC-3'